The following is an entry in ClinVar:

ClinVar aggregate classification (germline): Uncertain significance (1 of 4 stars; one submission).

Conditions:
Muscular dystrophy-dystroglycanopathy (congenital with brain and eye anomalies), type A2. Also called: MUSCULAR DYSTROPHY-DYSTROGLYCANOPATHY (CONGENITAL WITH BRAIN AND EYE ANOMALIES), TYPE A, 2; WALKER-WARBURG SYNDROME OR MUSCLE-EYE-BRAIN DISEASE, POMT2-RELATED. Identifiers: Orphanet 588, Orphanet 899, MedGen C3150411, MONDO:0013154, OMIM 613150.
Autosomal recessive limb-girdle muscular dystrophy type 2N. Also called: MUSCULAR DYSTROPHY-DYSTROGLYCANOPATHY, LIMB-GIRDLE, POMT2-RELATED; Muscular dystrophy-dystroglycanopathy (limb-girdle), type C, 2. Identifiers: Orphanet 206559, MedGen C3150418, MONDO:0013162, OMIM 613158.
Muscular dystrophy-dystroglycanopathy (congenital with impaired intellectual development), type B, 2. Also called: Muscular dystrophy-dystroglycanopathy (congenital with intellectual disability), type B2; MUSCULAR DYSTROPHY, CONGENITAL, POMT2-RELATED. Identifiers: MedGen C3150416, MONDO:0013160, OMIM 613156.

Allele frequency attached by ClinVar (database versions not stated): gnomAD exomes below 0.00001; ExAC 0.00001; gnomAD 0.00001; TOPMed 0.00001.
gnomAD v4.1: 4 of 1,613,808 alleles (0.00025%); highest among the groups gnomAD compares: African/African-American, 0.0013%; no homozygotes.

Submission:

Labcorp Genetics (formerly Invitae), Labcorp
Classification: Uncertain significance for Muscular dystrophy-dystroglycanopathy (congenital with impaired intellectual development), type B, 2; Muscular dystrophy-dystroglycanopathy (congenital with brain and eye anomalies), type A2; Autosomal recessive limb-girdle muscular dystrophy type 2N. Last evaluated: 2022-07-17. Review status: criteria provided, single submitter. Criteria: Invitae Variant Classification Sherloc (09022015). Collection method: clinical testing. Allele origin: germline.
Comment: This sequence change replaces asparagine, which is neutral and polar, with serine, which is neutral and polar, at codon 465 of the POMT2 protein (p.Asn465Ser). This variant is present in population databases (rs776253752, gnomAD 0.0009%). This variant has not been reported in the literature in individuals affected with POMT2-related conditions. Algorithms developed to predict the effect of missense changes on protein structure and function (SIFT, PolyPhen-2, Align-GVGD) all suggest that this variant is likely to be tolerated. In summary, the available evidence is currently insufficient to determine the role of this variant in disease. Therefore, it has been classified as a Variant of Uncertain Significance.

NM_013382.7(POMT2):c.1394A>G (p.Asn465Ser)

Gene: POMT2 (protein O-mannosyltransferase 2; minus strand). Cytogenetic location: 14q24.3.
Variant type: single nucleotide variant.
Coding change: c.1394A>G on transcript NM_013382.7 (MANE Select); coding-DNA position 1394, A replaced by G.
Protein change: p.Asn465Ser; replaces asparagine 465 with serine.
Molecular consequence: missense variant.
Genome position (GRCh38, 1-based): chr14:77,285,571, T>C on the plus strand (A>G on the coding strand, the complement: POMT2 is on the minus strand). VCF-style: chr14-77285571-T-C. GRCh37 (hg19) VCF-style: chr14-77751914-T-C.
Other names: short protein forms N465S.
Identifiers: ClinVar variation 2067447 (VCV002067447.1), dbSNP rs776253752, ClinGen allele CA7285863.
Genomic context (GRCh38, chr14:77,285,571, plus strand): 5'-AGGACACAACCTGTGACCAAATGGATGAAGCGAATTCGACTTCTCAGCACTTTGATCCGG[T>C]TTCCAAATTTCCTGTTTACGACCTCAATCCGCCAGAAATCATTTGAGTCCCCTGTTCCAT-3'
Protein context (NP_037514.2, residues 455-475): RIEVVNRKFG[Asn465Ser]RIKVLRSRIR